The following is an entry in ClinVar:

NM_019042.5(PUS7):c.640_641del (p.Leu214fs)

Gene: PUS7 (pseudouridine synthase 7; minus strand). Cytogenetic location: 7q22.3.
Variant type: Microsatellite.
Coding change: c.640_641del on transcript NM_019042.5 (MANE Select); coding-DNA positions 640 to 641, 2 bases deleted (CT; older notation c.640_641delCT).
Protein change: p.Leu214fs; shifts the reading frame from leucine 214.
Molecular consequence: frameshift variant.
Genome position (GRCh38, 1-based): chr7:105,502,509-105,502,510, AG deleted on the plus strand (CT on the coding strand, the reverse complement: PUS7 is on the minus strand); deleting any 2 consecutive bases within chr7:105,502,509-105,502,513 gives the same sequence; the c. name uses the placement nearest the transcript's 3' end. VCF-style (leftmost placement, unchanged base first): chr7-105502508-CAG-C. GRCh37 (hg19) VCF-style: chr7-105142955-CAG-C.
Other names: c.640_641delCT (NM_019042.5); c.640_641del, p.Leu214fs (NM_001318163.1, NM_001318164.2); short protein forms L214fs.
Identifiers: ClinVar variation 1065428 (VCV001065428.4), dbSNP rs769379928, ClinGen allele CA4426126.
Genomic context (GRCh38, chr7:105,502,508, plus strand): 5'-GTAGGCTACAATGTATTTCTTCCCCTCCCTATCCTCTGTTTTTGTCTCTAATCCTGGAAA[CAG>C]AGATTTGATAGCCTGATGGATGATGGTTCTTTTCTCTTTGGTGTCCTCGATAACCTATTA-3'

ClinVar aggregate classification (germline): Pathogenic/Likely pathogenic. Review status: criteria provided, multiple submitters, no conflicts (2 of 4 stars). 3 submissions from 3 submitters: Pathogenic (2); Likely pathogenic (1). Last evaluated 2025-10-06.

Conditions:
Intellectual developmental disorder with abnormal behavior, microcephaly, and short stature. Identifiers: MedGen C5193039, MONDO:0032687, OMIM 618342.

Submissions (3):

Laboratoire de Génétique Moléculaire, CHU Bordeaux
Classification: Pathogenic for Intellectual developmental disorder with abnormal behavior, microcephaly, and short stature. Last evaluated: 2025-10-06. Review status: criteria provided, single submitter. Criteria: ACMG Guidelines, 2015. Collection method: clinical testing. Allele origin: germline. Affected: yes.

3billion
Classification: Pathogenic for Intellectual developmental disorder with abnormal behavior, microcephaly, and short stature. Last evaluated: 2025-08-25. Review status: criteria provided, single submitter. Criteria: ACMG Guidelines, 2015. Collection method: clinical testing. Allele origin: germline. Affected: yes.
Comment: The variant is observed at an extremely low frequency in the gnomAD v4.1.0 dataset (total allele frequency: <0.001%). Predicted Consequence/Location: Frameshift: predicted to result in a loss or disruption of normal protein function through nonsense-mediated decay (NMD) or protein truncation. Multiple pathogenic variants are reported downstream of the variant. The variant has been reported to be associated with PUS7-related disorder (ClinVar ID: VCV001065428). Therefore, this variant is classified as Pathogenic according to the recommendation of ACMG/AMP guideline.

Genomic Medicine Lab, University of California San Francisco
Classification: Likely pathogenic for Intellectual developmental disorder with abnormal behavior, microcephaly, and short stature. Last evaluated: 2019-12-19. Review status: criteria provided, single submitter. Criteria: ACMG Guidelines, 2015. Collection method: clinical testing. Allele origin: maternal. Inheritance: Autosomal recessive inheritance. Affected: yes. Study: CSER-P3EGS.

Literature cited by the submitters: This truncating variant is rare in gnomAD and was found in trans of another truncating variant. (cited by Laboratoire de Génétique Moléculaire, CHU Bordeaux).